The following is an entry in ClinVar:

ClinVar aggregate classification (germline): Likely benign. Review status: criteria provided, multiple submitters, no conflicts (2 of 4 stars). 2 submissions from 2 submitters: Likely benign (2). Last evaluated 2024-10-30.

Conditions:
Arrhythmogenic right ventricular dysplasia 5. Also called: ARRHYTHMOGENIC RIGHT VENTRICULAR DYSPLASIA, FAMILIAL, 5; Arrhythmogenic Right Ventricular Dysplasia/Cardiomyopathy 5. Identifiers: MedGen C1858379, MONDO:0011459, OMIM 604400.

Submissions (2):

Labcorp Genetics (formerly Invitae), Labcorp
Classification: Likely benign for Arrhythmogenic right ventricular dysplasia 5. Last evaluated: 2024-10-30. Review status: criteria provided, single submitter. Criteria: Invitae Variant Classification Sherloc (09022015). Collection method: clinical testing. Allele origin: germline.

All of Us Research Program, National Institutes of Health
Classification: Likely benign for Arrhythmogenic right ventricular dysplasia 5. Last evaluated: 2023-05-04. Review status: criteria provided, single submitter. Criteria: ACMG Guidelines, 2015. Collection method: clinical testing. Allele origin: germline. Inheritance: Autosomal dominant inheritance. Observed: 1 variant allele, 1 heterozygote.
Comment: This study involves interpretation of variants in research participants for the purpose of population health screening. Participant phenotype was not available at the time of variant classification. Additional details can be found in publication PMID: 35346344, PMCID: PMC8962531

NM_024334.3(TMEM43):c.430A>C (p.Arg144=)

Gene: TMEM43 (transmembrane protein 43; plus strand). Cytogenetic location: 3p25.1.
Variant type: single nucleotide variant.
Coding change: c.430A>C on transcript NM_024334.3 (MANE Select); coding-DNA position 430, A replaced by C.
Protein change: p.Arg144=; no amino-acid change (arginine 144 retained).
Molecular consequence: synonymous variant.
Genome position (GRCh38, 1-based): chr3:14,132,583, A>C. VCF-style: chr3-14132583-A-C. GRCh37 (hg19) VCF-style: chr3-14174083-A-C.
Other names: c.430A>C, p.Arg144= (NM_001407274.1, NM_001407275.1, NM_001407276.1 and 2 more transcripts); c.415A>C, p.Arg139= (NM_001407278.1); c.280A>C, p.Arg94= (NM_001407280.1).
Identifiers: ClinVar variation 3070792 (VCV003070792.3), dbSNP rs1695111961, ClinGen allele CA432551334.